The following is an entry in ClinVar:

ClinVar aggregate classification (germline): Likely benign (0 of 4 stars; one submission).

Conditions:
AGTPBP1-related disorder. Also called: AGTPBP1-related condition.

Allele frequency attached by ClinVar (database versions not stated): gnomAD exomes 0.00003; gnomAD 0.00007; ESP Exome Variant Server 0.00008; TOPMed 0.00010; ExAC 0.00013.
gnomAD v4.1: 55 of 1,613,824 alleles (0.0034%); highest among the groups gnomAD compares: Admixed American, 0.038%; no homozygotes.

Submission:

PreventionGenetics, part of Exact Sciences
Classification: Likely benign for AGTPBP1-related condition. Last evaluated: 2019-09-17. Review status: no assertion criteria provided. Collection method: clinical testing. Allele origin: germline.
Comment: This variant is classified as likely benign based on ACMG/AMP sequence variant interpretation guidelines (Richards et al. 2015 PMID: 25741868, with internal and published modifications).

NM_001330701.2(AGTPBP1):c.1947C>T (p.Pro649=)

Gene: AGTPBP1 (ATP/GTP binding carboxypeptidase 1; minus strand). Cytogenetic location: 9q21.33.
Variant type: single nucleotide variant.
Coding change: c.1947C>T on transcript NM_001330701.2 (MANE Select); coding-DNA position 1947, C replaced by T.
Protein change: p.Pro649=; no amino-acid change (proline 649 retained).
Molecular consequence: synonymous variant.
Genome position (GRCh38, 1-based): chr9:85,632,730, G>A on the plus strand (C>T on the coding strand, the complement: AGTPBP1 is on the minus strand). VCF-style: chr9-85632730-G-A. GRCh37 (hg19) VCF-style: chr9-88247645-G-A.
Other names: c.2103C>T, p.Pro701= (NM_001286715.1); c.1983C>T, p.Pro661= (NM_001286717.1); c.1827C>T, p.Pro609= (NM_015239.3).
Identifiers: ClinVar variation 3040871 (VCV003040871.2), dbSNP rs376158351, ClinGen allele CA5106439.